The following is an entry in ClinVar:

ClinVar aggregate classification (germline): Uncertain significance (1 of 4 stars; one submission).

Conditions:
Rhabdoid tumor predisposition syndrome 2 (RTPS2). Identifiers: Orphanet 231108, Orphanet 69077, MedGen C2750074, MONDO:0013224, OMIM 613325.

Submission:

Labcorp Genetics (formerly Invitae), Labcorp
Classification: Uncertain significance for Rhabdoid tumor predisposition syndrome 2. Last evaluated: 2021-12-17. Review status: criteria provided, single submitter. Criteria: Invitae Variant Classification Sherloc (09022015). Collection method: clinical testing. Allele origin: germline.
Comment: This variant has not been reported in the literature in individuals affected with SMARCA4-related conditions. In summary, the available evidence is currently insufficient to determine the role of this variant in disease. Therefore, it has been classified as a Variant of Uncertain Significance. Algorithms developed to predict the effect of missense changes on protein structure and function (SIFT, PolyPhen-2, Align-GVGD) all suggest that this variant is likely to be disruptive. ClinVar contains an entry for this variant (Variation ID: 1022043). This variant is not present in population databases (gnomAD no frequency). This sequence change replaces asparagine, which is neutral and polar, with serine, which is neutral and polar, at codon 1303 of the SMARCA4 protein (p.Asn1303Ser).

NM_003072.5(SMARCA4):c.3908A>G (p.Asn1303Ser)

Gene: SMARCA4 (SWI/SNF related BAF chromatin remodeling complex subunit ATPase 4; plus strand). Cytogenetic location: 19p13.2.
Variant type: single nucleotide variant.
Coding change: c.3908A>G on transcript NM_003072.5 (MANE Select); coding-DNA position 3908, A replaced by G.
Protein change: p.Asn1303Ser; replaces asparagine 1303 with serine.
Molecular consequence: missense variant. On other transcripts: non-coding transcript variant (1).
Genome position (GRCh38, 1-based): chr19:11,034,157, A>G. VCF-style: chr19-11034157-A-G. GRCh37 (hg19) VCF-style: chr19-11144833-A-G.
Other names: c.3908A>G, p.Asn1303Ser (NM_001128844.3, NM_001128849.3); c.3809A>G, p.Asn1270Ser (NM_001128845.2, NM_001128846.2, NM_001128847.4 and 2 more transcripts); short protein forms N1270S, N1303S.
Identifiers: ClinVar variation 1022043 (VCV001022043.6), dbSNP rs2075118158, ClinGen allele CA404067862.